The following is an entry in ClinVar:

ClinVar aggregate classification (germline): Pathogenic (1 of 4 stars; one submission).

Conditions:
Congenital aniridia. Also called: Aniridia. Identifiers: MedGen C0003076, MONDO:0019172, HP:0000526.

Submission:

Genetics Department, University Hospital of Toulouse
Classification: Pathogenic for Congenital aniridia. Last evaluated: 2022-10-15. Review status: criteria provided, single submitter. Criteria: ACMG Guidelines, 2015. Collection method: clinical testing. Allele origin: germline. Affected: yes.
Comment: P (PS2, PM1, PM2, PM4)

NM_001368894.2(PAX6):c.38_41delinsAATCAGC (p.Gly13_Val14delinsGluSerAla)

Gene: PAX6 (paired box 6; minus strand). Cytogenetic location: 11p13.
Variant type: Indel.
Coding change: c.38_41delinsAATCAGC on transcript NM_001368894.2 (MANE Select); coding-DNA positions 38 to 41, GTGT replaced by AATCAGC.
Protein change: p.Gly13_Val14delinsGluSerAla.
Molecular consequence: inframe indel. On other transcripts: 5 prime UTR variant (12), non-coding transcript variant (2), intron variant (2).
Genome position (GRCh38, 1-based): chr11:31,802,804-31,802,807, ACAC replaced by GCTGATT on the plus strand (GTGT replaced by AATCAGC on the coding strand, the reverse complement: PAX6 is on the minus strand). VCF-style: chr11-31802804-ACAC-GCTGATT. GRCh37 (hg19) VCF-style: chr11-31824352-ACAC-GCTGATT.
Other names: c.38_41delinsAATCAGC, p.Gly13_Val14delinsGluSerAla (NM_000280.6, NM_001127612.3, NM_001258462.3 and 30 more transcripts); c.-744_-741delinsAATCAGC (NM_001310160.2, NM_001368905.2); c.-413_-410delinsAATCAGC (NM_001310161.3, NM_001368900.2, NM_001368903.2 and 2 more transcripts); c.-371_-368delinsAATCAGC (NM_001368899.2, NM_001368901.2, NM_001368906.2 and 1 more transcripts); c.-702_-699delinsAATCAGC (NM_001368902.2); c.281_284delinsAATCAGC, p.Gly94_Val95delinsGluSerAla (NM_001368910.2); c.41_44delinsAATCAGC, p.Gly14_Val15delinsGluSerAla (NM_001368911.2); c.-267-1031_-267-1028delinsAATCAGC (NM_001368909.2, NM_001368904.2).
Identifiers: ClinVar variation 1710343 (VCV001710343.1), dbSNP rs2496307620, ClinGen allele CA2580084059.